The following is an entry in ClinVar:

ClinVar aggregate classification (germline): Uncertain significance (1 of 4 stars; one submission).

gnomAD v4.1: 5 of 1,613,526 alleles (0.00031%); highest among the groups gnomAD compares: Non-Finnish European, 0.00042%; no homozygotes.

Submission:

Women's Health and Genetics/Laboratory Corporation of America, LabCorp
Classification: Uncertain significance. Last evaluated: 2025-07-01. Review status: criteria provided, single submitter. Criteria: LabCorp Variant Classification Summary - May 2015. Collection method: clinical testing. Allele origin: germline.
Comment: Variant summary: GFAP c.169G>A (p.Ala57Thr) results in a non-conservative amino acid change in the encoded protein sequence. Algorithms developed to predict the effect of missense changes on protein structure and function are either unavailable or do not agree on the potential impact of this missense change. The variant was absent in 250938 control chromosomes (gnomAD). The available data on variant occurrences in the general population are insufficient to allow any conclusion about variant significance. To our knowledge, no occurrence of c.169G>A in individuals affected with Alexander Disease and no experimental evidence demonstrating its impact on protein function have been reported. No submitters have cited clinical-significance assessments for this variant to ClinVar. Based on the evidence outlined above, the variant was classified as uncertain significance.

NM_002055.5(GFAP):c.169G>A (p.Ala57Thr)

Gene: GFAP (glial fibrillary acidic protein; minus strand). Cytogenetic location: 17q21.31.
Variant type: single nucleotide variant.
Coding change: c.169G>A on transcript NM_002055.5 (MANE Select); coding-DNA position 169, G replaced by A.
Protein change: p.Ala57Thr; replaces alanine 57 with threonine.
Molecular consequence: missense variant.
Genome position (GRCh38, 1-based): chr17:44,915,318, C>T on the plus strand (G>A on the coding strand, the complement: GFAP is on the minus strand). VCF-style: chr17-44915318-C-T. GRCh37 (hg19) VCF-style: chr17-42992686-C-T.
Other names: c.169G>A, p.Ala57Thr (NM_001131019.3, NM_001242376.3, NM_001363846.2); short protein forms A57T.
Identifiers: ClinVar variation 3912030 (VCV003912030.2).